The following is an entry in ClinVar:

ClinVar aggregate classification (germline): Pathogenic. Review status: criteria provided, multiple submitters, no conflicts (2 of 4 stars). 2 submissions from 2 submitters: Pathogenic (2). Last evaluated 2023-11-15.

Conditions:
Hyperlipoproteinemia, type I. Also called: HYPERLIPOPROTEINEMIA, TYPE IA; LPL DEFICIENCY; Lipase D deficiency; Familial Lipoprotein Lipase Deficiency; Familial hyperlipo-proteinemia type 1; Hyperlipemia essential familial. Identifiers: Orphanet 309015, Orphanet 444490, MedGen C0023817, MONDO:0009387, OMIM 238600. Disease mechanism: loss of function.

Allele frequency attached by ClinVar (database versions not stated): gnomAD exomes below 0.00001.
gnomAD v4.1: 1 of 1,614,120 alleles (0.000062%); highest among the groups gnomAD compares: South Asian, 0.0011%; no homozygotes.

Submissions (2):

Labcorp Genetics (formerly Invitae), Labcorp
Classification: Pathogenic. Last evaluated: 2023-11-15. Review status: criteria provided, single submitter. Criteria: Invitae Variant Classification Sherloc (09022015). Collection method: clinical testing. Allele origin: germline.
Comment: This sequence change creates a premature translational stop signal (p.Tyr338*) in the LPL gene. It is expected to result in an absent or disrupted protein product. Loss-of-function variants in LPL are known to be pathogenic (PMID: 11334614). This variant is not present in population databases (gnomAD no frequency). This premature translational stop signal has been observed in individual(s) with clinical features of LPL-related conditions (PMID: 32041611). For these reasons, this variant has been classified as Pathogenic.

Baylor Genetics
Classification: Pathogenic for Hyperlipoproteinemia, type I. Last evaluated: 2023-05-19. Review status: criteria provided, single submitter. Criteria: ACMG Guidelines, 2015. Collection method: clinical testing. Allele origin: unknown.

Literature cited by the submitters: PubMed 11334614 (cited by Labcorp Genetics (formerly Invitae), Labcorp); PubMed 32041611 (cited by Labcorp Genetics (formerly Invitae), Labcorp).

NM_000237.3(LPL):c.1014C>A (p.Tyr338Ter)

Gene: LPL (lipoprotein lipase; plus strand). Cytogenetic location: 8p21.3.
Variant type: single nucleotide variant.
Coding change: c.1014C>A on transcript NM_000237.3 (MANE Select); coding-DNA position 1014, C replaced by A.
Protein change: p.Tyr338Ter; replaces tyrosine 338 with a stop codon.
Molecular consequence: nonsense.
Genome position (GRCh38, 1-based): chr8:19,956,079, C>A. VCF-style: chr8-19956079-C-A. GRCh37 (hg19) VCF-style: chr8-19813590-C-A.
Other names: short protein forms Y338*.
Identifiers: ClinVar variation 2582665 (VCV002582665.4), dbSNP rs2540107342, ClinGen allele CA370469460.